The following is an entry in ClinVar:

NM_001369369.1(FOXN1):c.1075G>A (p.Glu359Lys)

Gene: FOXN1 (forkhead box N1; plus strand). Cytogenetic location: 17q11.2.
Variant type: single nucleotide variant.
Coding change: c.1075G>A on transcript NM_001369369.1 (MANE Select); coding-DNA position 1075, G replaced by A.
Protein change: p.Glu359Lys; replaces glutamic acid 359 with lysine.
Molecular consequence: missense variant.
Genome position (GRCh38, 1-based): chr17:28,534,478, G>A. VCF-style: chr17-28534478-G-A. GRCh37 (hg19) VCF-style: chr17-26861496-G-A.
Other names: c.1075G>A, p.Glu359Lys (NM_003593.3); c.1075G>A (NM_003593.2); short protein forms E359K.
Identifiers: ClinVar variation 916327 (VCV000916327.41), dbSNP rs2069998681, ClinGen allele CA398324881.

ClinVar aggregate classification (germline): Conflicting classifications of pathogenicity. Review status: criteria provided, conflicting classifications (1 of 4 stars). 3 submissions from 3 submitters: Likely pathogenic (1); Uncertain significance (1). 1 of the submissions does not count toward it. Last evaluated 2025-06-01.

Conditions:
FOXN1-related disorder. Also called: FOXN1-related condition.
T-cell immunodeficiency, congenital alopecia, and nail dystrophy. Also called: Congenital alopecia and nail dystrophy associated with severe functional T-cell immunodeficiency; Pignata Guarino syndrome. Identifiers: Orphanet 169095, MedGen C1866426, MONDO:0011132, OMIM 601705.

Allele frequency attached by ClinVar (database versions not stated): gnomAD exomes below 0.00001.
gnomAD v4.1: 1 of 1,613,992 alleles (0.000062%); highest among the groups gnomAD compares: Non-Finnish European, 0.000085%; no homozygotes.

Submissions (3):

CeGaT Center for Human Genetics Tuebingen
Classification: Uncertain significance. Last evaluated: 2025-06-01. Review status: criteria provided, single submitter. Criteria: CeGaT Center For Human Genetics Tuebingen Variant Classification Criteria Version 2. Collection method: clinical testing. Allele origin: germline. Affected: yes. Observed: 4 variant alleles.
Comment: FOXN1: PM2, PP3, PP4, PS4:Supporting

Rady Children's Institute for Genomic Medicine, Rady Children's Hospital San Diego
Classification: Likely pathogenic for T-cell immunodeficiency, congenital alopecia, and nail dystrophy. Last evaluated: 2025-03-20. Review status: criteria provided, single submitter. Criteria: ACMG Guidelines, 2015. Collection method: clinical testing. Allele origin: germline. Affected: yes.
Comment: Missense variation in the FOXN1 gene has been previously reported in affected individuals (HGMD, PMID: 31447097). The c.1075G>A (p.Glu359Lys) variant is located in the DNA binding forkhead domain (amino acids 270-367), which is a known hotspot domain for pathogenic variations associated with FOXN1-related disorders (PMID: 31914405). The c.1075G>A (p.Glu359Lys) variant affects a highly conserved amino acid and is predicted by multiple in silico tools to have a deleterious effect on protein function. Functional studies using luciferase reporter assays were conflicting; one study suggested that the c.1075G>A (p.Glu359Lys) variant results in partial loss-of-function based on 63% production compared to wildtype (PMID: 31566583), while another study demonstrated a gain-of-function with 112% production compared to wildtype (PMID: 37419334). The c.1075G>A (p.Glu359Lys) variant is present in the latest version of the gnomAD population database at an allele frequency of 0.00006% (1/1613992) and thus is presumed to be rare. Based on parental analysis, this variant likely occurred as a de novo event. Based on the available evidence, c.1075G>A (p.Glu359Lys) is classified as Likely Pathogenic.

PreventionGenetics, part of Exact Sciences
Classification: Uncertain significance for FOXN1-related condition. Last evaluated: 2024-09-05. Review status: no assertion criteria provided. Collection method: clinical testing. Allele origin: germline. Not counted in ClinVar's aggregate classification.
Comment: The FOXN1 c.1075G>A variant is predicted to result in the amino acid substitution p.Glu359Lys. This variant has been noted in a reportedly healthy patient without recurrent infections and a luciferase reporter assay noted 63% production compared to wildtype (Du et al. 2019. PubMed ID: 31566583). Another luciferase reporter assay suggested the variant resulted in a gain of function with 112% production compared to wildtype and classified the variant as benign (Moses et al. 2023 PubMed ID: 37419334). This variant has not been reported in a large population database, indicating this variant is rare. At this time, the clinical significance of this variant is uncertain due to the absence of conclusive functional and genetic evidence.

Literature cited by the submitters: PubMed 31447097 (cited by Rady Children's Institute for Genomic Medicine, Rady Children's Hospital San Diego); PubMed 31566583 (cited by Rady Children's Institute for Genomic Medicine, Rady Children's Hospital San Diego); PubMed 31914405 (cited by Rady Children's Institute for Genomic Medicine, Rady Children's Hospital San Diego); PubMed 37419334 (cited by Rady Children's Institute for Genomic Medicine, Rady Children's Hospital San Diego).